The following is an entry in ClinVar:

ClinVar aggregate classification (germline): Uncertain significance (1 of 4 stars; one submission).

Conditions:
Duchenne muscular dystrophy (DMD). Also called: MUSCULAR DYSTROPHY, PSEUDOHYPERTROPHIC PROGRESSIVE, DUCHENNE TYPE; Duchenne Muscular Dystrophy (DMD). Identifiers: Orphanet 98896, MedGen C0013264, MONDO:0010679, OMIM 310200.

Submission:

Labcorp Genetics (formerly Invitae), Labcorp
Classification: Uncertain significance for Duchenne muscular dystrophy. Last evaluated: 2026-01-19. Review status: criteria provided, single submitter. Criteria: Invitae Variant Classification Sherloc (09022015). Collection method: clinical testing. Allele origin: germline.
Comment: This sequence change replaces leucine, which is neutral and non-polar, with isoleucine, which is neutral and non-polar, at codon 1078 of the DMD protein (p.Leu1078Ile). Information on the frequency of this variant in the gnomAD database is not available, as this variant may be reported differently in the database. This variant has not been reported in the literature in individuals affected with DMD-related conditions. ClinVar contains an entry for this variant (Variation ID: 3663040). Experimental studies and prediction algorithms are not available or were not evaluated, and the functional significance of this variant is currently unknown. In summary, the available evidence is currently insufficient to determine the role of this variant in disease. Therefore, it has been classified as a Variant of Uncertain Significance.

NM_004006.3(DMD):c.3231_3232delinsAA (p.Leu1078Ile)

Gene: DMD (dystrophin; minus strand). Cytogenetic location: Xp21.1.
Variant type: Indel.
Coding change: c.3231_3232delinsAA on transcript NM_004006.3 (MANE Select); coding-DNA positions 3231 to 3232, CC replaced by AA.
Protein change: p.Leu1078Ile; replaces leucine 1078 with isoleucine.
Molecular consequence: missense variant.
Genome position (GRCh38, 1-based): chrX:32,464,630-32,464,631, GG replaced by TT on the plus strand (CC replaced by AA on the coding strand, the reverse complement: DMD is on the minus strand). VCF-style: chrX-32464630-GG-TT. GRCh37 (hg19) VCF-style: chrX-32482747-GG-TT.
Other names: c.3207_3208delinsAA, p.Leu1070Ile (NM_000109.4); c.3219_3220delinsAA, p.Leu1074Ile (NM_004009.3); c.2862_2863delinsAA, p.Leu955Ile (NM_004010.3); short protein forms L1070I, L1074I, L955I, L1078I.
Identifiers: ClinVar variation 3663040 (VCV003663040.2).